The following is an entry in ClinVar:

NM_006662.3(SRCAP):c.8977G>A (p.Val2993Ile)

Gene: SRCAP (Snf2 related CREBBP activator protein; plus strand). Cytogenetic location: 16p11.2.
Variant type: single nucleotide variant.
Coding change: c.8977G>A on transcript NM_006662.3 (MANE Select); coding-DNA position 8977, G replaced by A.
Protein change: p.Val2993Ile; replaces valine 2993 with isoleucine.
Molecular consequence: missense variant.
Genome position (GRCh38, 1-based): chr16:30,739,017, G>A. VCF-style: chr16-30739017-G-A. GRCh37 (hg19) VCF-style: chr16-30750338-G-A.
Other names: short protein forms V2993I.
Identifiers: ClinVar variation 3169857 (VCV003169857.3), dbSNP rs141276223, ClinGen allele CA8012806.
Genomic context (GRCh38, chr16:30,739,017, plus strand): 5'-TCACCCCTAACCCCACTCCCACCACTGCTAGTTTGTCCCACTGCTACTGTTGCCAACACT[G>A]TCACCACTGTCACCATTTCAACGTCCCCACCCAAACGGAAGAGGGGCCGACCTCCCAAGA-3'
Protein context (NP_006653.2, residues 2983-3003): VCPTATVANT[Val2993Ile]TTVTISTSPP

ClinVar aggregate classification (germline): Conflicting classifications of pathogenicity. Review status: criteria provided, conflicting classifications (1 of 4 stars). 3 submissions from 3 submitters: Uncertain significance (2); Likely benign (1). Last evaluated 2024-11-12.

Conditions:
Inborn genetic diseases. Identifiers: MedGen C0950123, MeSH D030342.

Allele frequency attached by ClinVar (database versions not stated): gnomAD exomes 0.00001; ExAC 0.00002; TOPMed 0.00005; gnomAD 0.00006; ESP Exome Variant Server 0.00015; 1000 Genomes Project 0.00020.
gnomAD v4.1: 16 of 1,613,744 alleles (0.00099%); highest among the groups gnomAD compares: African/African-American, 0.02%; no homozygotes.

Submissions (3):

Women's Health and Genetics/Laboratory Corporation of America, LabCorp
Classification: Uncertain significance. Last evaluated: 2024-11-12. Review status: criteria provided, single submitter. Criteria: LabCorp Variant Classification Summary - May 2015. Collection method: clinical testing. Allele origin: germline.
Comment: Variant summary: SRCAP c.8977G>A (p.Val2993Ile) results in a conservative amino acid change in the encoded protein sequence. Four of four in-silico tools predict a benign effect of the variant on protein function. The variant allele was found at a frequency of 1.6e-05 in 251340 control chromosomes. The available data on variant occurrences in the general population are insufficient to allow any conclusion about variant significance. To our knowledge, no occurrence of c.8977G>A in individuals affected with Floating-Harbor Syndrome and no experimental evidence demonstrating its impact on protein function have been reported. ClinVar contains an entry for this variant (Variation ID: 3169857). Based on the evidence outlined above, the variant was classified as uncertain significance.

Labcorp Genetics (formerly Invitae), Labcorp
Classification: Uncertain significance. Last evaluated: 2024-10-31. Review status: criteria provided, single submitter. Criteria: Invitae Variant Classification Sherloc (09022015). Collection method: clinical testing. Allele origin: germline.
Comment: This sequence change replaces valine, which is neutral and non-polar, with isoleucine, which is neutral and non-polar, at codon 2993 of the SRCAP protein (p.Val2993Ile). This variant is present in population databases (rs141276223, gnomAD 0.02%). This variant has not been reported in the literature in individuals affected with SRCAP-related conditions. ClinVar contains an entry for this variant (Variation ID: 3169857). Invitae Evidence Modeling of protein sequence and biophysical properties (such as structural, functional, and spatial information, amino acid conservation, physicochemical variation, residue mobility, and thermodynamic stability) indicates that this missense variant is not expected to disrupt SRCAP protein function with a negative predictive value of 80%. In summary, the available evidence is currently insufficient to determine the role of this variant in disease. Therefore, it has been classified as a Variant of Uncertain Significance.

Ambry Genetics
Classification: Likely benign for Inborn genetic diseases. Last evaluated: 2022-01-07. Review status: criteria provided, single submitter. Criteria: Ambry Variant Classification Scheme 2023. Collection method: clinical testing. Allele origin: germline.